The following is an entry in ClinVar:

ClinVar aggregate classification (germline): Uncertain significance (1 of 4 stars; one submission).

Conditions:
Fanconi anemia complementation group O. Also called: RAD51C-Related Fanconi Anemia. Identifiers: Orphanet 84, MedGen C3150653, MONDO:0013248, OMIM 613390.

Submission:

Labcorp Genetics (formerly Invitae), Labcorp
Classification: Uncertain significance for Fanconi anemia complementation group O. Last evaluated: 2023-11-27. Review status: criteria provided, single submitter. Criteria: Invitae Variant Classification Sherloc (09022015). Collection method: clinical testing. Allele origin: germline.
Comment: This sequence change replaces arginine, which is basic and polar, with proline, which is neutral and non-polar, at codon 366 of the RAD51C protein (p.Arg366Pro). This variant is not present in population databases (gnomAD no frequency). This variant has not been reported in the literature in individuals affected with RAD51C-related conditions. ClinVar contains an entry for this variant (Variation ID: 943409). An algorithm developed to predict the effect of missense changes on protein structure and function (PolyPhen-2) suggests that this variant is likely to be disruptive. Algorithms developed to predict the effect of sequence changes on RNA splicing suggest that this variant may disrupt the consensus splice site. In summary, the available evidence is currently insufficient to determine the role of this variant in disease. Therefore, it has been classified as a Variant of Uncertain Significance.

NM_058216.3(RAD51C):c.1097G>C (p.Arg366Pro)

Gene: RAD51C (RAD51 paralog C; plus strand). Cytogenetic location: 17q22.
Variant type: single nucleotide variant.
Coding change: c.1097G>C on transcript NM_058216.3 (MANE Select); coding-DNA position 1097, G replaced by C.
Protein change: p.Arg366Pro; replaces arginine 366 with proline.
Molecular consequence: missense variant. On other transcripts: non-coding transcript variant (1).
Genome position (GRCh38, 1-based): chr17:58,734,188, G>C. VCF-style: chr17-58734188-G-C. GRCh37 (hg19) VCF-style: chr17-56811549-G-C.
Other names: short protein forms R366P.
Identifiers: ClinVar variation 943409 (VCV000943409.9), dbSNP rs577852020, ClinGen allele CA400366464.
Genomic context (GRCh38, chr17:58,734,188, plus strand): 5'-TTAGAGATACTGTTGTTACTTCTGCATGTTCATTGCAAACAGAAGGTTCCTTGAGCACCC[G>C]GAAACGGTCACGAGACCCAGAGGAAGAATTATAACCCAGAAACAAATCTCAAAGTGTACA-3'
Protein context (NP_478123.1, residues 356-376): SLQTEGSLST[Arg366Pro]KRSRDPEEEL